The following is an entry in ClinVar:

NM_001378414.1(HDAC4):c.2444+10C>T

Gene: HDAC4 (histone deacetylase 4; minus strand). Cytogenetic location: 2q37.3.
Variant type: single nucleotide variant.
Coding change: c.2444+10C>T on transcript NM_001378414.1 (MANE Select); 10 bases into the intron after coding-DNA position 2444, C replaced by T.
Molecular consequence: intron variant.
Genome position (GRCh38, 1-based): chr2:239,087,549, G>A on the plus strand (C>T on the coding strand, the complement: HDAC4 is on the minus strand). VCF-style: chr2-239087549-G-A. GRCh37 (hg19) VCF-style: chr2-240009245-G-A.
Other names: c.2429+10C>T (NM_001378417.1, NM_001378416.1, NM_006037.4); c.2444+10C>T (NM_001378415.1).
Identifiers: ClinVar variation 3048684 (VCV003048684.4), dbSNP rs756921589, ClinGen allele CA2199398.

ClinVar aggregate classification (germline): Benign/Likely benign. Review status: criteria provided, multiple submitters, no conflicts (2 of 4 stars). 3 submissions from 3 submitters: Benign (1); Likely benign (1). 1 of the submissions does not count toward it. Last evaluated 2025-06-25.

Conditions:
HDAC4-related disorder. Also called: HDAC4-related condition.

Allele frequency attached by ClinVar (database versions not stated): gnomAD exomes 0.00005; ExAC 0.00011; gnomAD 0.00025; TOPMed 0.00026.
gnomAD v4.1: 118 of 1,612,564 alleles (0.0073%); highest among the groups gnomAD compares: African/African-American, 0.072%; no homozygotes.

Submissions (3):

Labcorp Genetics (formerly Invitae), Labcorp
Classification: Benign. Last evaluated: 2025-06-25. Review status: criteria provided, single submitter. Criteria: Invitae Variant Classification Sherloc (09022015). Collection method: clinical testing. Allele origin: germline.

Blueprint Genetics
Classification: Likely benign. Last evaluated: 2024-08-30. Review status: criteria provided, single submitter. Criteria: ACMG Guidelines, 2015. Collection method: clinical testing. Allele origin: germline.

PreventionGenetics, part of Exact Sciences
Classification: Likely benign for HDAC4-related condition. Last evaluated: 2019-12-10. Review status: no assertion criteria provided. Collection method: clinical testing. Allele origin: germline. Not counted in ClinVar's aggregate classification.
Comment: This variant is classified as likely benign based on ACMG/AMP sequence variant interpretation guidelines (Richards et al. 2015 PMID: 25741868, with internal and published modifications).